The following is an entry in ClinVar:

ClinVar aggregate classification (germline): Uncertain significance (1 of 4 stars; one submission).

Conditions:
Brugada syndrome. Also called: Sudden unexpected nocturnal death syndrome; Sudden unexplained nocturnal death syndrome; Sudden Unexplained Death Syndrome; Sudden Unexplained Nocturnal Death Syndrome (SUNDS). Identifiers: Orphanet 130, MedGen C1142166, MONDO:0015263.

Allele frequency attached by ClinVar (database versions not stated): gnomAD exomes below 0.00001.
gnomAD v4.1: 1 of 1,562,248 alleles (0.000064%); highest among the groups gnomAD compares: South Asian, 0.0012%; no homozygotes.

Submission:

Labcorp Genetics (formerly Invitae), Labcorp
Classification: Uncertain significance for Brugada syndrome. Last evaluated: 2020-02-25. Review status: criteria provided, single submitter. Criteria: Invitae Variant Classification Sherloc (09022015). Collection method: clinical testing. Allele origin: germline.
Comment: This sequence change replaces valine with leucine at codon 1469 of the SCN10A protein (p.Val1469Leu). The valine residue is moderately conserved and there is a small physicochemical difference between valine and leucine. This variant is not present in population databases (ExAC no frequency). This variant has not been reported in the literature in individuals with SCN10A-related conditions. Algorithms developed to predict the effect of missense changes on protein structure and function (SIFT, PolyPhen-2, Align-GVGD) all suggest that this variant is likely to be tolerated, but these predictions have not been confirmed by published functional studies and their clinical significance is uncertain. In summary, the available evidence is currently insufficient to determine the role of this variant in disease. Therefore, it has been classified as a Variant of Uncertain Significance.

NM_006514.4(SCN10A):c.4405G>C (p.Val1469Leu)

Gene: SCN10A (sodium voltage-gated channel alpha subunit 10; minus strand). Cytogenetic location: 3p22.2.
Variant type: single nucleotide variant.
Coding change: c.4405G>C on transcript NM_006514.4 (MANE Select); coding-DNA position 4405, G replaced by C.
Protein change: p.Val1469Leu; replaces valine 1469 with leucine.
Molecular consequence: missense variant.
Genome position (GRCh38, 1-based): chr3:38,702,091, C>G on the plus strand (G>C on the coding strand, the complement: SCN10A is on the minus strand). VCF-style: chr3-38702091-C-G. GRCh37 (hg19) VCF-style: chr3-38743582-C-G.
Other names: c.4402G>C, p.Val1468Leu (NM_001293306.2); c.4111G>C, p.Val1371Leu (NM_001293307.2); short protein forms V1371L, V1468L, V1469L.
Identifiers: ClinVar variation 1044763 (VCV001044763.5), dbSNP rs532793715, ClinGen allele CA352147264.